The following is an entry in ClinVar:

NM_001267550.2(TTN):c.90184A>T (p.Ile30062Phe)

Genes: TTN-AS1 (TTN antisense RNA 1; plus strand), TTN (titin; minus strand). Cytogenetic location: 2q31.2.
Variant type: single nucleotide variant.
Coding change: c.90184A>T on transcript NM_001267550.2 (MANE Select); coding-DNA position 90184, A replaced by T.
Protein change: p.Ile30062Phe; replaces isoleucine 30062 with phenylalanine.
Molecular consequence: missense variant.
Genome position (GRCh38, 1-based): chr2:178,552,716, T>A on the plus strand (A>T on the coding strand, the complement: TTN is on the minus strand). VCF-style: chr2-178552716-T-A. GRCh37 (hg19) VCF-style: chr2-179417443-T-A.
Other names: c.85261A>T, p.Ile28421Phe (NM_001256850.1); c.62989A>T, p.Ile20997Phe (NM_003319.4); c.82480A>T, p.Ile27494Phe (NM_133378.4); c.63364A>T, p.Ile21122Phe (NM_133432.3); c.63565A>T, p.Ile21189Phe (NM_133437.4); short protein forms I27494F, I28421F, I30062F, I21189F, I20997F, I21122F.
Identifiers: ClinVar variation 1752677 (VCV001752677.5), dbSNP rs931535269, ClinGen allele CA60977865.
Genomic context (GRCh38, chr2:178,552,716, plus strand): 5'-TGCCAGCGTGGGACCACGTCTGTTCACCTTTACCTTTCCTTTCTACAACATATTCTGTGA[T>A]GACGCTACCACCATCAAAGTCAGGTTTGGTCCAGCTGAGGATGACAGATGTCTTTGTTGA-3'
Protein context (NP_001254479.2, residues 30052-30072): TKPDFDGGSV[Ile30062Phe]TEYVVERKGK

ClinVar aggregate classification (germline): Uncertain significance. Review status: criteria provided, multiple submitters, no conflicts (2 of 4 stars). 2 submissions from 2 submitters: Uncertain significance (2). Last evaluated 2019-06-21.

Conditions:
Cardiovascular phenotype. Identifiers: MedGen CN230736.

Allele frequency attached by ClinVar (database versions not stated): gnomAD exomes below 0.00001; TOPMed 0.00002.
gnomAD v4.1: 10 of 1,613,848 alleles (0.00062%); highest among the groups gnomAD compares: African/African-American, 0.012%; no homozygotes.

Submissions (2):

Revvity Omics, Revvity
Classification: Uncertain significance. Last evaluated: 2019-06-21. Review status: criteria provided, single submitter. Criteria: ACMG Guidelines, 2015. Collection method: clinical testing. Allele origin: germline.

Ambry Genetics
Classification: Uncertain significance for Cardiovascular phenotype. Last evaluated: 2019-04-01. Review status: criteria provided, single submitter. Criteria: Ambry Variant Classification Scheme 2023. Collection method: clinical testing. Allele origin: germline.
Comment: The p.I20997F variant (also known as c.62989A>T), located in coding exon 162 of the TTN gene, results from an A to T substitution at nucleotide position 62989. The isoleucine at codon 20997 is replaced by phenylalanine, an amino acid with highly similar properties. This amino acid position is highly conserved in available vertebrate species. In addition, the in silico prediction for this alteration is inconclusive. Since supporting evidence is limited at this time, the clinical significance of this alteration remains unclear.